The following is an entry in ClinVar:

ClinVar aggregate classification (germline): Uncertain significance (1 of 4 stars; one submission).

Conditions:
LAMA2-related muscular dystrophy (LAMA2-RD). Also called: Laminin alpha 2-related dystrophy. Identifiers: MedGen C5679788, MONDO:0100228.

Submission:

Labcorp Genetics (formerly Invitae), Labcorp
Classification: Uncertain significance for LAMA2-related muscular dystrophy. Last evaluated: 2020-04-25. Review status: criteria provided, single submitter. Criteria: Invitae Variant Classification Sherloc (09022015). Collection method: clinical testing. Allele origin: germline.
Comment: This sequence change replaces asparagine with isoleucine at codon 571 of the LAMA2 protein (p.Asn571Ile). The asparagine residue is weakly conserved and there is a large physicochemical difference between asparagine and isoleucine. This variant is not present in population databases (ExAC no frequency). This variant has not been reported in the literature in individuals with LAMA2-related conditions. Algorithms developed to predict the effect of missense changes on protein structure and function (SIFT, PolyPhen-2, Align-GVGD) all suggest that this variant is likely to be tolerated, but these predictions have not been confirmed by published functional studies and their clinical significance is uncertain. In summary, the available evidence is currently insufficient to determine the role of this variant in disease. Therefore, it has been classified as a Variant of Uncertain Significance.

NM_000426.4(LAMA2):c.1712A>T (p.Asn571Ile)

Gene: LAMA2 (laminin subunit alpha 2; plus strand). Cytogenetic location: 6q22.33.
Variant type: single nucleotide variant.
Coding change: c.1712A>T on transcript NM_000426.4 (MANE Select); coding-DNA position 1712, A replaced by T.
Protein change: p.Asn571Ile; replaces asparagine 571 with isoleucine.
Molecular consequence: missense variant.
Genome position (GRCh38, 1-based): chr6:129,192,783, A>T. VCF-style: chr6-129192783-A-T. GRCh37 (hg19) VCF-style: chr6-129513928-A-T.
Other names: c.1712A>T, p.Asn571Ile (NM_001079823.2); short protein forms N571I.
Identifiers: ClinVar variation 1051282 (VCV001051282.10), dbSNP rs2115037058, ClinGen allele CA365608304.